The following is an entry in ClinVar:

NM_000094.4(COL7A1):c.30C>T (p.Leu10=)

Gene: COL7A1 (collagen type VII alpha 1 chain; minus strand). Cytogenetic location: 3p21.31.
Variant type: single nucleotide variant.
Coding change: c.30C>T on transcript NM_000094.4 (MANE Select); coding-DNA position 30, C replaced by T.
Protein change: p.Leu10=; no amino-acid change (leucine 10 retained).
Molecular consequence: synonymous variant.
Genome position (GRCh38, 1-based): chr3:48,595,130, G>A on the plus strand (C>T on the coding strand, the complement: COL7A1 is on the minus strand). VCF-style: chr3-48595130-G-A. GRCh37 (hg19) VCF-style: chr3-48632563-G-A.
Identifiers: ClinVar variation 1133149 (VCV001133149.11), dbSNP rs376832250, ClinGen allele CA2381681.

ClinVar aggregate classification (germline): Likely benign. Review status: criteria provided, multiple submitters, no conflicts (2 of 4 stars). 2 submissions from 2 submitters: Likely benign (2). Last evaluated 2026-03-01.

Allele frequency attached by ClinVar (database versions not stated): gnomAD exomes 0.00003 and 0.00005; gnomAD 0.00006; TOPMed 0.00007; ESP Exome Variant Server 0.00016.
gnomAD v4.1: 73 of 1,554,092 alleles (0.0047%); highest among the groups gnomAD compares: Non-Finnish European, 0.006%; no homozygotes.

Submissions (2):

CeGaT Center for Human Genetics Tuebingen
Classification: Likely benign. Last evaluated: 2026-03-01. Review status: criteria provided, single submitter. Criteria: CeGaT Center For Human Genetics Tuebingen Variant Classification Criteria Version 2. Collection method: clinical testing. Allele origin: germline. Affected: yes. Observed: 1 variant allele.
Comment: COL7A1: BP4, BP7

Labcorp Genetics (formerly Invitae), Labcorp
Classification: Likely benign. Last evaluated: 2025-10-15. Review status: criteria provided, single submitter. Criteria: Invitae Variant Classification Sherloc (09022015). Collection method: clinical testing. Allele origin: germline.